The following is an entry in ClinVar:

ClinVar aggregate classification (germline): Uncertain significance. Review status: criteria provided, single submitter (1 of 4 stars). 2 submissions from 2 submitters: Uncertain significance (1). 1 of the submissions does not count toward it. Last evaluated 2022-09-01.

Conditions:
Bardet-Biedl syndrome (BBS). Identifiers: Orphanet 110, MedGen C0752166, MONDO:0015229.
Bardet-Biedl syndrome 12 (BBS12). Identifiers: Orphanet 110, MedGen C1859570, MONDO:0014440, OMIM 615989.

Allele frequency attached by ClinVar (database versions not stated): gnomAD exomes below 0.00001; ExAC 0.00001.
gnomAD v4.1: 6 of 1,614,238 alleles (0.00037%); highest among the groups gnomAD compares: Non-Finnish European, 0.00051%; no homozygotes.

Submissions (2):

Labcorp Genetics (formerly Invitae), Labcorp
Classification: Uncertain significance for Bardet-Biedl syndrome. Last evaluated: 2022-09-01. Review status: criteria provided, single submitter. Criteria: Invitae Variant Classification Sherloc (09022015). Collection method: clinical testing. Allele origin: germline.
Comment: In summary, the available evidence is currently insufficient to determine the role of this variant in disease. Therefore, it has been classified as a Variant of Uncertain Significance. Algorithms developed to predict the effect of missense changes on protein structure and function are either unavailable or do not agree on the potential impact of this missense change (SIFT: "Tolerated"; PolyPhen-2: "Possibly Damaging"; Align-GVGD: "Class C0"). ClinVar contains an entry for this variant (Variation ID: 969454). This variant has not been reported in the literature in individuals affected with BBS12-related conditions. This variant is present in population databases (rs774510452, gnomAD 0.0009%). This sequence change replaces glutamic acid, which is acidic and polar, with aspartic acid, which is acidic and polar, at codon 270 of the BBS12 protein (p.Glu270Asp).

Natera, Inc.
Classification: Uncertain significance for Bardet-Biedl syndrome type 12. Last evaluated: 2020-02-26. Review status: no assertion criteria provided. Collection method: clinical testing. Allele origin: germline. Not counted in ClinVar's aggregate classification.

NM_152618.3(BBS12):c.810G>C (p.Glu270Asp)

Gene: BBS12 (Bardet-Biedl syndrome 12; plus strand). Cytogenetic location: 4q27.
Variant type: single nucleotide variant.
Coding change: c.810G>C on transcript NM_152618.3 (MANE Select); coding-DNA position 810, G replaced by C.
Protein change: p.Glu270Asp; replaces glutamic acid 270 with aspartic acid.
Molecular consequence: missense variant.
Genome position (GRCh38, 1-based): chr4:122,742,702, G>C. VCF-style: chr4-122742702-G-C. GRCh37 (hg19) VCF-style: chr4-123663857-G-C.
Other names: c.810G>C, p.Glu270Asp (NM_001178007.2); short protein forms E270D.
Identifiers: ClinVar variation 969454 (VCV000969454.8), dbSNP rs774510452, ClinGen allele CA3069334.